The following is an entry in ClinVar:

ClinVar aggregate classification (germline): Likely benign. Review status: criteria provided, multiple submitters, no conflicts (2 of 4 stars). 4 submissions from 4 submitters: Likely benign (4). Last evaluated 2026-01-18.

Conditions:
Cardiovascular phenotype. Identifiers: MedGen CN230736.

gnomAD v4.1: 42 of 1,550,466 alleles (0.0027%); highest among the groups gnomAD compares: East Asian, 0.039%; no homozygotes.

Submissions (4):

Labcorp Genetics (formerly Invitae), Labcorp
Classification: Likely benign. Last evaluated: 2026-01-18. Review status: criteria provided, single submitter. Criteria: Invitae Variant Classification Sherloc (09022015). Collection method: clinical testing. Allele origin: germline.

Women's Health and Genetics/Laboratory Corporation of America, LabCorp
Classification: Likely benign. Last evaluated: 2025-10-24. Review status: criteria provided, single submitter. Criteria: LabCorp Variant Classification Summary - May 2015. Collection method: clinical testing. Allele origin: germline.

Mayo Clinic Laboratories, Mayo Clinic
Classification: Likely benign. Last evaluated: 2025-07-31. Review status: criteria provided, single submitter. Criteria: ACMG Guidelines, 2015. Collection method: clinical testing. Allele origin: germline. Observed: 1 variant allele.
Comment: BS1, BP4, BP7

Ambry Genetics
Classification: Likely benign for Cardiovascular phenotype. Last evaluated: 2019-03-07. Review status: criteria provided, single submitter. Criteria: Ambry Variant Classification Scheme 2023. Collection method: clinical testing. Allele origin: germline.

NM_001367624.2(ZNF469):c.11406C>T (p.His3802=)

Gene: ZNF469 (zinc finger protein 469; plus strand). Cytogenetic location: 16q24.2.
Variant type: single nucleotide variant.
Coding change: c.11406C>T on transcript NM_001367624.2 (MANE Select); coding-DNA position 11406, C replaced by T.
Protein change: p.His3802=; no amino-acid change (histidine 3802 retained).
Molecular consequence: synonymous variant.
Genome position (GRCh38, 1-based): chr16:88,438,876, C>T. VCF-style: chr16-88438876-C-T. GRCh37 (hg19) VCF-style: chr16-88505284-C-T.
Other names: NM_001127464.1:c.11322C>T; p.His3802=.
Identifiers: ClinVar variation 1639094 (VCV001639094.12), dbSNP rs141042464, ClinGen allele CA8225608.